The following is an entry in ClinVar:

ClinVar aggregate classification (germline): Likely benign. Review status: criteria provided, multiple submitters, no conflicts (2 of 4 stars). 3 submissions from 3 submitters: Likely benign (2). 1 of the submissions does not count toward it. Last evaluated 2025-05-02.

Conditions:
PUM1-related disorder. Also called: PUM1-related disorders; PUM1-related condition.

Allele frequency attached by ClinVar (database versions not stated): gnomAD exomes 0.00009; ExAC 0.00032; gnomAD 0.00098; 1000 Genomes Project 0.00100; 1000 Genomes Project 30x 0.00109; TOPMed 0.00116; ESP Exome Variant Server 0.00131.

Submissions (3):

Mayo Clinic Laboratories, Mayo Clinic
Classification: Likely benign. Last evaluated: 2025-05-02. Review status: criteria provided, single submitter. Criteria: ACMG Guidelines, 2015. Collection method: clinical testing. Allele origin: germline. Observed: 1 variant allele.
Comment: BS1, BP4, BP7

Blueprint Genetics
Classification: Likely benign. Last evaluated: 2023-12-05. Review status: criteria provided, single submitter. Criteria: ACMG Guidelines, 2015. Collection method: clinical testing. Allele origin: germline.

PreventionGenetics, part of Exact Sciences
Classification: Likely benign for PUM1-related condition. Last evaluated: 2019-04-25. Review status: no assertion criteria provided. Collection method: clinical testing. Allele origin: germline. Not counted in ClinVar's aggregate classification.
Comment: This variant is classified as likely benign based on ACMG/AMP sequence variant interpretation guidelines (Richards et al. 2015 PMID: 25741868, with internal and published modifications).

NM_001020658.2(PUM1):c.3220T>C (p.Leu1074=)

Gene: PUM1 (pumilio RNA binding family member 1; minus strand). Cytogenetic location: 1p35.2.
Variant type: single nucleotide variant.
Coding change: c.3220T>C on transcript NM_001020658.2 (MANE Select); coding-DNA position 3220, T replaced by C.
Protein change: p.Leu1074=; no amino-acid change (leucine 1074 retained).
Molecular consequence: synonymous variant.
Genome position (GRCh38, 1-based): chr1:30,941,173, A>G on the plus strand (T>C on the coding strand, the complement: PUM1 is on the minus strand). VCF-style: chr1-30941173-A-G. GRCh37 (hg19) VCF-style: chr1-31414020-A-G.
Other names: p.Leu1074=; c.3214T>C, p.Leu1072= (NM_014676.3).
Identifiers: ClinVar variation 3052957 (VCV003052957.4), dbSNP rs144775133, ClinGen allele CA728758.